The following is an entry in ClinVar:

ClinVar aggregate classification (germline): Pathogenic. Review status: criteria provided, multiple submitters, no conflicts (2 of 4 stars). 3 submissions from 3 submitters: Pathogenic (3). Last evaluated 2024-04-03.

Conditions:
WDR35-related disorder. Also called: WDR35-related condition; WDR35-related disorders. Identifiers: MedGen CN239419.
Short-rib thoracic dysplasia 7 with or without polydactyly (SRTD7). Also called: Short rib polydactyly syndrome 5; SHORT-RIB THORACIC DYSPLASIA 7 WITH POLYDACTYLY. Identifiers: Orphanet 498497, Orphanet 93271, MedGen C3279792, MONDO:0013569, OMIM 614091.
Cranioectodermal dysplasia 2 (CED2). Identifiers: Orphanet 1515, MedGen C3150874, MONDO:0013323, OMIM 613610.

Allele frequency attached by ClinVar (database versions not stated): gnomAD exomes 0.00001 and 0.00002; ExAC 0.00002.
gnomAD v4.1: 13 of 1,614,082 alleles (0.00081%); highest among the groups gnomAD compares: Non-Finnish European, 0.0011%; no homozygotes.

Submissions (3):

Blueprint Genetics
Classification: Pathogenic for WDR35-related disorders. Last evaluated: 2024-04-03. Review status: criteria provided, single submitter. Criteria: ACMG Guidelines, 2015. Collection method: clinical testing. Allele origin: germline. Affected: yes. Observed: 3 variant alleles.

Baylor Genetics
Classification: Pathogenic for Cranioectodermal dysplasia 2. Last evaluated: 2023-05-26. Review status: criteria provided, single submitter. Criteria: ACMG Guidelines, 2015. Collection method: clinical testing. Allele origin: unknown.

Labcorp Genetics (formerly Invitae), Labcorp
Classification: Pathogenic for Cranioectodermal dysplasia 2; Short-rib thoracic dysplasia 7 with or without polydactyly. Last evaluated: 2023-01-23. Review status: criteria provided, single submitter. Criteria: Invitae Variant Classification Sherloc (09022015). Collection method: clinical testing. Allele origin: germline.
Comment: For these reasons, this variant has been classified as Pathogenic. Studies have shown that this variant results in skipping of exon 27 and introduces a premature termination codon (PMID: 25908617). The resulting mRNA is expected to undergo nonsense-mediated decay. ClinVar contains an entry for this variant (Variation ID: 570668). This variant has been observed in individual(s) with Ellis-van Creveld syndrome and/or Sensenbrenner syndrome (PMID: 25908617, 33606107). In at least one individual the data is consistent with being in trans (on the opposite chromosome) from a pathogenic variant. It has also been observed to segregate with disease in related individuals. This variant is present in population databases (rs746128772, gnomAD 0.004%). This sequence change affects codon 1126 of the WDR35 mRNA. It is a 'silent' change, meaning that it does not change the encoded amino acid sequence of the WDR35 protein. RNA analysis indicates that this variant induces altered splicing and may result in an absent or disrupted protein product.

Literature cited by the submitters: PubMed 25908617 (cited by Labcorp Genetics (formerly Invitae), Labcorp); PubMed 33606107 (cited by Labcorp Genetics (formerly Invitae), Labcorp).

NM_020779.4(WDR35):c.3345G>A (p.Leu1115=)

Gene: WDR35 (WD repeat domain 35; minus strand). Cytogenetic location: 2p24.1.
Variant type: single nucleotide variant.
Coding change: c.3345G>A on transcript NM_020779.4 (MANE Select); coding-DNA position 3345, G replaced by A.
Protein change: p.Leu1115=; no amino-acid change (leucine 1115 retained).
Molecular consequence: synonymous variant.
Genome position (GRCh38, 1-based): chr2:19,914,054, C>T on the plus strand (G>A on the coding strand, the complement: WDR35 is on the minus strand). VCF-style: chr2-19914054-C-T. GRCh37 (hg19) VCF-style: chr2-20113815-C-T.
Other names: c.3378G>A, p.Leu1126= (NM_001006657.2).
Identifiers: ClinVar variation 570668 (VCV000570668.10), dbSNP rs746128772, ClinGen allele CA1542693.